The following is an entry in ClinVar:

NM_002528.7(NTHL1):c.686-7C>G

Gene: NTHL1 (nth like DNA glycosylase 1; minus strand). Cytogenetic location: 16p13.3.
Variant type: single nucleotide variant.
Coding change: c.686-7C>G on transcript NM_002528.7 (MANE Select); 7 bases into the intron before coding-DNA position 686, C replaced by G.
Molecular consequence: intron variant.
Genome position (GRCh38, 1-based): chr16:2,040,245, G>C on the plus strand (C>G on the coding strand, the complement: NTHL1 is on the minus strand). VCF-style: chr16-2040245-G-C. GRCh37 (hg19) VCF-style: chr16-2090246-G-C.
Other names: c.686-7C>G (LRG_1366t1); c.356-7C>G (NM_001318194.2); c.515-7C>G (NM_001318193.2).
Identifiers: ClinVar variation 651153 (VCV000651153.16), dbSNP rs529341502, ClinGen allele CA7828142.

ClinVar aggregate classification (germline): Conflicting classifications of pathogenicity. Review status: criteria provided, conflicting classifications (1 of 4 stars). 3 submissions from 3 submitters: Uncertain significance (2); Likely benign (1). Last evaluated 2025-11-10.

Conditions:
Familial adenomatous polyposis 3. Also called: NTHL1-Related Adenomatous Polyposis and Colorectal Cancer; NTHL1-associated polyposis; NTHL1-related attenuated familial adenomatous polyposis; NTHL1 Tumor Syndrome. Identifiers: Orphanet 220460, Orphanet 454840, MedGen C4225157, MONDO:0014630, OMIM 616415.

Allele frequency attached by ClinVar (database versions not stated): gnomAD exomes below 0.00001 and 0.00001; ExAC 0.00002; gnomAD 0.00003; TOPMed 0.00003; 1000 Genomes Project 0.00020; 1000 Genomes Project 30x 0.00031.
gnomAD v4.1: 10 of 1,612,882 alleles (0.00062%); highest among the groups gnomAD compares: African/African-American, 0.012%; no homozygotes.

Submissions (6):

Labcorp Genetics (formerly Invitae), Labcorp
Classification: Likely benign. Last evaluated: 2025-11-10. Review status: criteria provided, single submitter. Criteria: Invitae Variant Classification Sherloc (09022015). Collection method: clinical testing. Allele origin: germline.

GeneDx
Classification: Uncertain significance. Last evaluated: 2024-10-16. Review status: criteria provided, single submitter. Criteria: GeneDx Variant Classification Process June 2021. Collection method: clinical testing. Allele origin: germline. Affected: yes.
Comment: Not observed at significant frequency in large population cohorts (gnomAD); In silico analysis indicates that this variant does not alter splicing; Has not been previously published as pathogenic or benign to our knowledge

Fulgent Genetics
Classification: Uncertain significance for Familial adenomatous polyposis 3. Last evaluated: 2024-01-19. Review status: criteria provided, single submitter. Criteria: ACMG Guidelines, 2015. Collection method: clinical testing. Allele origin: germline.

Dr. Peter K. Rogan Lab, Western University
No classification provided (evidence only). Condition: Uterine corpus endometrial carcinoma. Review status: no classification provided. Collection method: in vitro. Allele origin: not applicable. Functional consequence: retained intron. Not counted in ClinVar's aggregate classification.

Dr. Peter K. Rogan Lab, Western University
No classification provided (evidence only). Condition: Ovarian serous cystadenocarcinoma. Review status: no classification provided. Collection method: in vitro. Allele origin: not applicable. Functional consequence: retained intron. Not counted in ClinVar's aggregate classification.

Dr. Peter K. Rogan Lab, Western University
No classification provided (evidence only). Condition: Ovarian serous cystadenocarcinoma. Review status: no classification provided. Collection method: in vitro. Allele origin: not applicable. Functional consequence: retained intron. Not counted in ClinVar's aggregate classification.